The following is an entry in ClinVar:

GRCh38/hg38 20q13.33(chr20:64157529-64277321)x3

Genes: MYT1 (myelin transcription factor 1; plus strand), PCMTD2 (protein-L-isoaspartate (D-aspartate) O-methyltransferase domain containing 2; plus strand), LOC120285836 (VISTA enhancer hs2609; plus strand). Cytogenetic location: 20q13.33.
Variant type: copy number gain.
Change: copy number 3 (three copies instead of two) of chr20:64,157,529-64,277,321 (119.8 kb, GRCh38 coordinates, 1-based), cytogenetic band 20q13.33.
Identifiers: ClinVar variation 57186 (VCV000057186.1).

ClinVar aggregate classification (germline): Uncertain significance (1 of 4 stars; one submission).

Submission:

ISCA site 4
Classification: Uncertain significance. Last evaluated: 2011-08-12. Review status: criteria provided, single submitter. Criteria: Kaminsky et al. (Genet Med. 2011). Collection method: clinical testing. Allele origin: maternal. Affected: yes. Observed: 1 variant allele.
Comment: Copy number variation identified through the course of routine clinical cytogenomic testing in postnatal populations. Clinical assertions have been curated as described in Kaminsky et al. 2011.